The following is an entry in ClinVar:

ClinVar aggregate classification (germline): Uncertain significance. Review status: criteria provided, multiple submitters, no conflicts (2 of 4 stars). 3 submissions from 3 submitters: Uncertain significance (3). Last evaluated 2026-07-06.

Conditions:
Inborn genetic diseases. Identifiers: MedGen C0950123, MeSH D030342.
RYR1-related disorder. Also called: RYR1-related disorders; RYR1-related condition. Identifiers: MedGen CN239331.

Allele frequency attached by ClinVar (database versions not stated): gnomAD exomes below 0.00001.
gnomAD v4.1: 17 of 1,612,066 alleles (0.0011%); highest among the groups gnomAD compares: Non-Finnish European, 0.0014%; no homozygotes.

Submissions (3):

Ambry Genetics
Classification: Uncertain significance for Inborn genetic diseases. Last evaluated: 2026-07-06. Review status: criteria provided, single submitter. Criteria: Ambry Variant Classification Scheme 2023. Collection method: clinical testing. Allele origin: germline.
Comment: The p.I2562F variant (also known as c.7684A>T), located in coding exon 48 of the RYR1 gene, results from an A to T substitution at nucleotide position 7684. The isoleucine at codon 2562 is replaced by phenylalanine, an amino acid with highly similar properties. This amino acid position is conserved. In addition, the in silico prediction for this alteration is inconclusive. Based on the available evidence, the clinical significance of this variant remains unclear.

GeneDx
Classification: Uncertain significance. Last evaluated: 2025-06-20. Review status: criteria provided, single submitter. Criteria: GeneDx Variant Classification Process June 2021. Collection method: clinical testing. Allele origin: germline. Affected: yes.
Comment: Not observed at significant frequency in large population cohorts (gnomAD); In silico analysis supports that this missense variant has a deleterious effect on protein structure/function; Has not been previously published as pathogenic or benign to our knowledge

Labcorp Genetics (formerly Invitae), Labcorp
Classification: Uncertain significance for RYR1-related disorder. Last evaluated: 2023-10-16. Review status: criteria provided, single submitter. Criteria: Invitae Variant Classification Sherloc (09022015). Collection method: clinical testing. Allele origin: germline.
Comment: This sequence change replaces isoleucine, which is neutral and non-polar, with phenylalanine, which is neutral and non-polar, at codon 2562 of the RYR1 protein (p.Ile2562Phe). This variant is present in population databases (no rsID available, gnomAD 0.0009%). This variant has not been reported in the literature in individuals affected with RYR1-related conditions. ClinVar contains an entry for this variant (Variation ID: 662479). Advanced modeling of protein sequence and biophysical properties (such as structural, functional, and spatial information, amino acid conservation, physicochemical variation, residue mobility, and thermodynamic stability) performed at Invitae indicates that this missense variant is not expected to disrupt RYR1 protein function. In summary, the available evidence is currently insufficient to determine the role of this variant in disease. Therefore, it has been classified as a Variant of Uncertain Significance.

NM_000540.3(RYR1):c.7684A>T (p.Ile2562Phe)

Gene: RYR1 (ryanodine receptor 1; plus strand). Cytogenetic location: 19q13.2.
Variant type: single nucleotide variant.
Coding change: c.7684A>T on transcript NM_000540.3 (MANE Select); coding-DNA position 7684, A replaced by T.
Protein change: p.Ile2562Phe; replaces isoleucine 2562 with phenylalanine.
Molecular consequence: missense variant.
Genome position (GRCh38, 1-based): chr19:38,502,576, A>T. VCF-style: chr19-38502576-A-T. GRCh37 (hg19) VCF-style: chr19-38993216-A-T.
Other names: c.7684A>T, p.Ile2562Phe (NM_001042723.2); short protein forms I2562F.
Identifiers: ClinVar variation 662479 (VCV000662479.10), dbSNP rs1359576805, ClinGen allele CA405671605.